The following is an entry in ClinVar:

ClinVar aggregate classification (germline): Uncertain significance. Review status: criteria provided, multiple submitters, no conflicts (2 of 4 stars). 2 submissions from 2 submitters: Uncertain significance (2). Last evaluated 2024-05-20.

Conditions:
Joubert syndrome 2 (JBTS2). Also called: CEREBELLOOCULORENAL SYNDROME 2. Identifiers: Orphanet 2318, MedGen C1842577, MONDO:0011963, OMIM 608091.
Meckel syndrome, type 2 (MKS2). Also called: MECKEL-GRUBER SYNDROME, TYPE 2; MKS2-Related Meckel Syndrome. Identifiers: Orphanet 564, MedGen C1864148, MONDO:0011296, OMIM 603194.
Inborn genetic diseases. Identifiers: MedGen C0950123, MeSH D030342.

Allele frequency attached by ClinVar (database versions not stated): 1000 Genomes Project 30x 0.00016.

Submissions (13):

Fulgent Genetics
Classification: Uncertain significance for Meckel syndrome, type 2; Joubert syndrome 2. Last evaluated: 2024-05-20. Review status: criteria provided, single submitter. Criteria: ACMG Guidelines, 2015. Collection method: clinical testing. Allele origin: germline.

Ambry Genetics
Classification: Uncertain significance for Inborn genetic diseases. Last evaluated: 2023-12-11. Review status: criteria provided, single submitter. Criteria: Ambry Variant Classification Scheme 2023. Collection method: clinical testing. Allele origin: germline.
Comment: The c.432-1G>T intronic alteration consists of a G to T substitution 1 nucleotides before coding exon 5 in the TMEM216 gene. Based on insufficient or conflicting evidence, the clinical significance of this alteration remains unclear.

Dr. Peter K. Rogan Lab, Western University
No classification provided (evidence only). Condition: Malignant tumor of urinary bladder. Review status: no classification provided. Collection method: in vitro. Allele origin: not applicable. Functional consequence: retained intron. Not counted in ClinVar's aggregate classification.

Dr. Peter K. Rogan Lab, Western University
No classification provided (evidence only). Condition: Thyroid cancer, nonmedullary, 1. Review status: no classification provided. Collection method: in vitro. Allele origin: not applicable. Functional consequence: retained intron. Not counted in ClinVar's aggregate classification.

Dr. Peter K. Rogan Lab, Western University
No classification provided (evidence only). Condition: Thyroid cancer, nonmedullary, 1. Review status: no classification provided. Collection method: in vitro. Allele origin: not applicable. Functional consequence: retained intron. Not counted in ClinVar's aggregate classification.

Dr. Peter K. Rogan Lab, Western University
No classification provided (evidence only). Condition: Thyroid cancer, nonmedullary, 1. Review status: no classification provided. Collection method: in vitro. Allele origin: not applicable. Functional consequence: retained intron. Not counted in ClinVar's aggregate classification.

Dr. Peter K. Rogan Lab, Western University
No classification provided (evidence only). Condition: Thyroid cancer, nonmedullary, 1. Review status: no classification provided. Collection method: in vitro. Allele origin: not applicable. Functional consequence: retained intron. Not counted in ClinVar's aggregate classification.

Dr. Peter K. Rogan Lab, Western University
No classification provided (evidence only). Condition: Thyroid cancer, nonmedullary, 1. Review status: no classification provided. Collection method: in vitro. Allele origin: not applicable. Functional consequence: retained intron. Not counted in ClinVar's aggregate classification.

Dr. Peter K. Rogan Lab, Western University
No classification provided (evidence only). Condition: Thyroid cancer, nonmedullary, 1. Review status: no classification provided. Collection method: in vitro. Allele origin: not applicable. Functional consequence: retained intron. Not counted in ClinVar's aggregate classification.

Dr. Peter K. Rogan Lab, Western University
No classification provided (evidence only). Condition: Thyroid cancer, nonmedullary, 1. Review status: no classification provided. Collection method: in vitro. Allele origin: not applicable. Functional consequence: retained intron. Not counted in ClinVar's aggregate classification.

Dr. Peter K. Rogan Lab, Western University
No classification provided (evidence only). Condition: Thyroid cancer, nonmedullary, 1. Review status: no classification provided. Collection method: in vitro. Allele origin: not applicable. Functional consequence: retained intron. Not counted in ClinVar's aggregate classification.

Dr. Peter K. Rogan Lab, Western University
No classification provided (evidence only). Condition: Nonpapillary renal cell carcinoma. Review status: no classification provided. Collection method: in vitro. Allele origin: not applicable. Functional consequence: retained intron. Not counted in ClinVar's aggregate classification.

Dr. Peter K. Rogan Lab, Western University
No classification provided (evidence only). Condition: Nonpapillary renal cell carcinoma. Review status: no classification provided. Collection method: in vitro. Allele origin: not applicable. Functional consequence: retained intron. Not counted in ClinVar's aggregate classification.

NM_001173990.3(TMEM216):c.432-1G>T

Gene: TMEM216 (transmembrane protein 216; plus strand). Cytogenetic location: 11q12.2.
Variant type: single nucleotide variant.
Coding change: c.432-1G>T on transcript NM_001173990.3 (MANE Select); the canonical splice acceptor site of the intron before coding-DNA position 432, G replaced by T.
Molecular consequence: splice acceptor variant. On other transcripts: missense variant (2).
Genome position (GRCh38, 1-based): chr11:61,398,269, G>T. VCF-style: chr11-61398269-G-T. GRCh37 (hg19) VCF-style: chr11-61165741-G-T.
Other names: NC_000011.9:g.61165741G>T; c.440G>T, p.Arg147Met (NM_001173991.3); c.257G>T, p.Arg86Met (NM_016499.6); c.249-1G>T (NM_001330285.2); short protein forms R147M, R86M.
Identifiers: ClinVar variation 3179174 (VCV003179174.3), dbSNP rs10897158, ClinGen allele CA6034783.